The following is an entry in ClinVar:

ClinVar aggregate classification (germline): Uncertain significance (1 of 4 stars; one submission).

Allele frequency attached by ClinVar (database versions not stated): gnomAD exomes 0.00001; ExAC 0.00002; TOPMed 0.00004; gnomAD 0.00005.
gnomAD v4.1: 21 of 1,600,900 alleles (0.0013%); highest among the groups gnomAD compares: East Asian, 0.0023%; no homozygotes.

Submission:

Labcorp Genetics (formerly Invitae), Labcorp
Classification: Uncertain significance. Last evaluated: 2022-08-21. Review status: criteria provided, single submitter. Criteria: Invitae Variant Classification Sherloc (09022015). Collection method: clinical testing. Allele origin: germline.
Comment: This sequence change replaces leucine, which is neutral and non-polar, with phenylalanine, which is neutral and non-polar, at codon 17 of the PLOD2 protein (p.Leu17Phe). The frequency data for this variant in the population databases is considered unreliable, as metrics indicate poor data quality at this position in the gnomAD database. This variant has not been reported in the literature in individuals affected with PLOD2-related conditions. Algorithms developed to predict the effect of missense changes on protein structure and function output the following: SIFT: "Tolerated"; PolyPhen-2: "Benign"; Align-GVGD: "Class C0". The phenylalanine amino acid residue is found in multiple mammalian species, which suggests that this missense change does not adversely affect protein function. In summary, the available evidence is currently insufficient to determine the role of this variant in disease. Therefore, it has been classified as a Variant of Uncertain Significance.

NM_182943.3(PLOD2):c.49C>T (p.Leu17Phe)

Gene: PLOD2 (procollagen-lysine,2-oxoglutarate 5-dioxygenase 2; minus strand). Cytogenetic location: 3q24.
Variant type: single nucleotide variant.
Coding change: c.49C>T on transcript NM_182943.3 (MANE Select); coding-DNA position 49, C replaced by T.
Protein change: p.Leu17Phe; replaces leucine 17 with phenylalanine.
Molecular consequence: missense variant.
Genome position (GRCh38, 1-based): chr3:146,160,941, G>A on the plus strand (C>T on the coding strand, the complement: PLOD2 is on the minus strand). VCF-style: chr3-146160941-G-A. GRCh37 (hg19) VCF-style: chr3-145878728-G-A.
Other names: c.49C>T, p.Leu17Phe (NM_000935.3); short protein forms L17F.
Identifiers: ClinVar variation 1919740 (VCV001919740.2), dbSNP rs772206140, ClinGen allele CA2655392.